The following is an entry in ClinVar:

NM_014991.6(WDFY3):c.7029G>C (p.Glu2343Asp)

Gene: WDFY3 (WD repeat and FYVE domain containing 3; minus strand). Cytogenetic location: 4q21.23.
Variant type: single nucleotide variant.
Coding change: c.7029G>C on transcript NM_014991.6 (MANE Select); coding-DNA position 7029, G replaced by C.
Protein change: p.Glu2343Asp; replaces glutamic acid 2343 with aspartic acid.
Molecular consequence: missense variant.
Genome position (GRCh38, 1-based): chr4:84,733,574, C>G on the plus strand (G>C on the coding strand, the complement: WDFY3 is on the minus strand). VCF-style: chr4-84733574-C-G. GRCh37 (hg19) VCF-style: chr4-85654727-C-G.
Other names: short protein forms E2343D.
Identifiers: ClinVar variation 3766358 (VCV003766358.1).
Genomic context (GRCh38, chr4:84,733,574, plus strand): 5'-GCCGATGGGAGGGCCCCACAGCCCCCGCTCCCTCAACAGCTCGCACTCGATCTGACACCA[C>G]TCTTCTGTCACGTACTTCAGGGCATTCTGCTGACGCTGACAGGAAAGAGTCCAGGTCGGT-3'
Protein context (NP_055806.2, residues 2333-2353): QQNALKYVTE[Glu2343Asp]WCQIECELLR

ClinVar aggregate classification (germline): Uncertain significance (1 of 4 stars; one submission).

gnomAD v4.1: 5 of 1,614,102 alleles (0.00031%); highest among the groups gnomAD compares: Non-Finnish European, 0.00034%; no homozygotes.

Submission:

GeneDx
Classification: Uncertain significance. Last evaluated: 2024-08-29. Review status: criteria provided, single submitter. Criteria: GeneDx Variant Classification Process June 2021. Collection method: clinical testing. Allele origin: germline. Affected: yes.
Comment: Not observed at significant frequency in large population cohorts (gnomAD); In silico analysis indicates that this missense variant does not alter protein structure/function; Has not been previously published as pathogenic or benign to our knowledge